The following is an entry in ClinVar:

NM_001267550.2(TTN):c.34786+3A>G

Gene: TTN (titin; minus strand). Cytogenetic location: 2q31.2.
Variant type: single nucleotide variant.
Coding change: c.34786+3A>G on transcript NM_001267550.2 (MANE Select); 3 bases into the intron after coding-DNA position 34786, A replaced by G.
Molecular consequence: intron variant.
Genome position (GRCh38, 1-based): chr2:178,673,630, T>C on the plus strand (A>G on the coding strand, the complement: TTN is on the minus strand). VCF-style: chr2-178673630-T-C. GRCh37 (hg19) VCF-style: chr2-179538357-T-C.
Other names: c.13283-31313A>G (NM_003319.4); c.13859-31313A>G (NM_133437.4); c.13658-31313A>G (NM_133432.3); c.30883+3A>G (NM_133378.4); c.33664+3A>G (NM_001256850.1).
Identifiers: ClinVar variation 854080 (VCV000854080.35), dbSNP rs1417271874, ClinGen allele CA538094302.

ClinVar aggregate classification (germline): Uncertain significance. Review status: criteria provided, multiple submitters, no conflicts (2 of 4 stars). 4 submissions from 4 submitters: Uncertain significance (3). 1 of the submissions does not count toward it. Last evaluated 2025-12-08.

Conditions:
Dilated cardiomyopathy 1G (CMD1G). Identifiers: Orphanet 154, MedGen C1858763, MONDO:0011400, OMIM 604145.
Autosomal recessive limb-girdle muscular dystrophy type 2J (LGMDR10). Also called: MUSCULAR DYSTROPHY, LIMB-GIRDLE, AUTOSOMAL RECESSIVE 10; Limb-girdle muscular dystrophy, type 2J. Identifiers: Orphanet 140922, MedGen C1837342, MONDO:0012127, OMIM 608807.
Hypertrophic cardiomyopathy 9. Also called: Familial hypertrophic cardiomyopathy 9. Identifiers: MedGen C1861065, MONDO:0013412, OMIM 613765.
Myopathy, myofibrillar, 9, with early respiratory failure (MFM9). Also called: EDSTROM MYOPATHY; Myopathy, distal, with early respiratory failure, autosomal dominant; Hereditary myopathy with early respiratory failure; MYOPATHY, PROXIMAL, WITH EARLY RESPIRATORY MUSCLE INVOLVEMENT. Identifiers: Orphanet 178464, Orphanet 34521, MedGen C1863599, MONDO:0011362, OMIM 603689.
Tibial muscular dystrophy (TMD). Also called: UDD MYOPATHY; Tibial muscular dystrophy, tardive; Udd Distal Myopathy – Tibial Muscular Dystrophy. Identifiers: Orphanet 609, MedGen C1838244, MONDO:0010870, OMIM 600334.
Early-onset myopathy with fatal cardiomyopathy (CMYO5). Also called: CONGENITAL MYOPATHY 5 WITH CARDIOMYOPATHY; Salih Myopathy. Identifiers: Orphanet 289377, MedGen C2673677, MONDO:0012714, OMIM 611705. Disease mechanism: loss of function.

Allele frequency attached by ClinVar (database versions not stated): gnomAD exomes below 0.00001; TOPMed 0.00001; gnomAD 0.00003 and 0.00004.
gnomAD v4.1: 15 of 1,575,860 alleles (0.00095%); highest among the groups gnomAD compares: African/African-American, 0.0041%; no homozygotes.

Submissions (4):

Labcorp Genetics (formerly Invitae), Labcorp
Classification: Uncertain significance for Dilated cardiomyopathy 1G; Autosomal recessive limb-girdle muscular dystrophy type 2J. Last evaluated: 2025-12-08. Review status: criteria provided, single submitter. Criteria: Invitae Variant Classification Sherloc (09022015). Collection method: clinical testing. Allele origin: germline.
Comment: This sequence change falls in intron 152 of the TTN gene. It does not directly change the encoded amino acid sequence of the TTN protein. It affects a nucleotide within the consensus splice site. This variant is present in population databases (no rsID available, gnomAD 0.004%). This variant has been observed in individual(s) with cardiomyopathy (PMID: 39844436). ClinVar contains an entry for this variant (Variation ID: 854080). Variants that disrupt the consensus splice site are a relatively common cause of aberrant splicing (PMID: 17576681, 9536098). Algorithms developed to predict the effect of sequence changes on RNA splicing suggest that this variant may disrupt the consensus splice site. This variant is located in the I band of TTN (PMID: 25589632). Non-truncating variants in this region may be clinically relevant, but have not been definitively shown to cause cardiomyopathy or neuromuscular disease (PMID: 27493940, 32778822). In summary, the available evidence is currently insufficient to determine the role of this variant in disease. Therefore, it has been classified as a Variant of Uncertain Significance.

Fulgent Genetics
Classification: Uncertain significance for Tibial muscular dystrophy; Myopathy, myofibrillar, 9, with early respiratory failure; Dilated cardiomyopathy 1G; Autosomal recessive limb-girdle muscular dystrophy type 2J; Early-onset myopathy with fatal cardiomyopathy; Hypertrophic cardiomyopathy 9. Last evaluated: 2024-06-10. Review status: criteria provided, single submitter. Criteria: ACMG Guidelines, 2015. Collection method: clinical testing. Allele origin: germline.

CeGaT Center for Human Genetics Tuebingen
Classification: Uncertain significance. Last evaluated: 2022-08-01. Review status: criteria provided, single submitter. Criteria: CeGaT Center For Human Genetics Tuebingen Variant Classification Criteria Version 2. Collection method: clinical testing. Allele origin: germline. Affected: yes. Observed: 1 variant allele.

Cardiogenetics and Myogenetics Molecular and Cellular Functional Unit, Aphp Sorbonne University-Hopital Pitie Salpetriere
Classification: Uncertain significance for Dilated cardiomyopathy 1G. Last evaluated: 2024-01-06. Review status: no assertion criteria provided. Collection method: clinical testing. Allele origin: germline. Affected: yes. Not counted in ClinVar's aggregate classification.

Literature cited by the submitters: PubMed 39844436 (cited by Labcorp Genetics (formerly Invitae), Labcorp); PubMed 17576681 (cited by Labcorp Genetics (formerly Invitae), Labcorp); PubMed 9536098 (cited by Labcorp Genetics (formerly Invitae), Labcorp); PubMed 25589632 (cited by Labcorp Genetics (formerly Invitae), Labcorp); PubMed 27493940 (cited by Labcorp Genetics (formerly Invitae), Labcorp); PubMed 32778822 (cited by Labcorp Genetics (formerly Invitae), Labcorp).